The following is an entry in ClinVar:

NM_001372076.1(PAX9):c.556del (p.Val186fs)

Gene: PAX9 (paired box 9; plus strand). Cytogenetic location: 14q13.3.
Variant type: Deletion.
Coding change: c.556del on transcript NM_001372076.1 (MANE Select); coding-DNA position 556, one base deleted (G; older notation c.556delG).
Protein change: p.Val186fs; shifts the reading frame from valine 186.
Molecular consequence: frameshift variant.
Genome position (GRCh38, 1-based): chr14:36,663,448, G deleted; the last of 2 consecutive G bases (chr14:36,663,447-36,663,448); deleting either gives the same sequence. VCF-style (leftmost placement, unchanged base first): chr14-36663446-CG-C. GRCh37 (hg19) VCF-style: chr14-37132651-CG-C.
Other names: c.556del, p.Val186fs (NM_006194.4); short protein forms V186fs.
Identifiers: ClinVar variation 4728733 (VCV004728733.1).

ClinVar aggregate classification (germline): Pathogenic (1 of 4 stars; one submission).

Conditions:
Hypodontia. Also called: Partial congenital absence of teeth; TOOTH AGENESIS, FAMILIAL; Tooth agenesis, selective. Identifiers: Orphanet 99798, MedGen C0020608, MONDO:0005486, HP:0000668. Disease mechanism: loss of function.

Submission:

Labcorp Genetics (formerly Invitae), Labcorp
Classification: Pathogenic for Hypodontia. Last evaluated: 2025-10-08. Review status: criteria provided, single submitter. Criteria: Invitae Variant Classification Sherloc (09022015). Collection method: clinical testing. Allele origin: germline.
Comment: This sequence change creates a premature translational stop signal (p.Val186Trpfs*26) in the PAX9 gene. It is expected to result in an absent or disrupted protein product. Loss-of-function variants in PAX9 are known to be pathogenic (PMID: 14607846, 16236760, 16479262). This variant is not present in population databases (gnomAD no frequency). This variant has not been reported in the literature in individuals affected with PAX9-related conditions. For these reasons, this variant has been classified as Pathogenic.

Literature cited by the submitters: PubMed 14607846; PubMed 16236760; PubMed 16479262.